The following is an entry in ClinVar:

ClinVar aggregate classification (germline): Likely benign. Review status: criteria provided, multiple submitters, no conflicts (2 of 4 stars). 2 submissions from 2 submitters: Likely benign (2). Last evaluated 2025-04-29.

Conditions:
Tuberous sclerosis 1 (TSC1). Identifiers: Orphanet 805, MedGen C1854465, MONDO:0008612, OMIM 191100.

Submissions (2):

Myriad Genetics, Inc.
Classification: Likely benign for Tuberous sclerosis 1. Last evaluated: 2025-04-29. Review status: criteria provided, single submitter. Criteria: Myriad Autosomal Dominant, Autosomal Recessive and X-Linked Classification Criteria (2023). Collection method: clinical testing. Allele origin: unknown.
Comment: This variant is considered likely benign. This variant is intronic and is not expected to impact mRNA splicing.

Labcorp Genetics (formerly Invitae), Labcorp
Classification: Likely benign for Tuberous sclerosis 1. Last evaluated: 2024-07-28. Review status: criteria provided, single submitter. Criteria: Invitae Variant Classification Sherloc (09022015). Collection method: clinical testing. Allele origin: germline.

NM_000368.5(TSC1):c.2814-17T>C

Gene: TSC1 (TSC complex subunit 1; minus strand). Cytogenetic location: 9q34.13.
Variant type: single nucleotide variant.
Coding change: c.2814-17T>C on transcript NM_000368.5 (MANE Select); 17 bases into the intron before coding-DNA position 2814, T replaced by C.
Molecular consequence: intron variant.
Genome position (GRCh38, 1-based): chr9:132,897,362, A>G on the plus strand (T>C on the coding strand, the complement: TSC1 is on the minus strand). VCF-style: chr9-132897362-A-G. GRCh37 (hg19) VCF-style: chr9-135772749-A-G.
Other names: c.2451-17T>C (NM_001362177.2); c.2661-17T>C (NM_001162427.2); c.2811-17T>C (NM_001162426.2).
Identifiers: ClinVar variation 1653509 (VCV001653509.9), dbSNP rs2131629273, ClinGen allele CA2573144366.